The following is an entry in ClinVar:

ClinVar aggregate classification (germline): Benign/Likely benign. Review status: criteria provided, multiple submitters, no conflicts (2 of 4 stars). 3 submissions from 3 submitters: Benign (1); Likely benign (2). Last evaluated 2024-07-16.

Conditions:
BAP1-related tumor predisposition syndrome (TPDS1). Also called: Tumor susceptibility linked to germline BAP1 mutations; BAP1 tumor predisposition syndrome; COMMON Syndrome; TUMOR PREDISPOSITION SYNDROME 1. Identifiers: Orphanet 289539, MedGen C3280492, MONDO:0013692, OMIM 614327.
Hereditary cancer-predisposing syndrome. Also called: Hereditary Cancer Syndrome; Neoplastic Syndromes, Hereditary; Tumor predisposition; Hereditary neoplastic syndrome. Identifiers: Orphanet 140162, MedGen C0027672, MeSH D009386, MONDO:0015356.

gnomAD v4.1: 2 of 1,613,840 alleles (0.00012%); highest among the groups gnomAD compares: Admixed American, 0.0017%; no homozygotes.

Submissions (3):

Myriad Genetics, Inc.
Classification: Benign for BAP1-related tumor predisposition syndrome. Last evaluated: 2024-07-16. Review status: criteria provided, single submitter. Criteria: Myriad Autosomal Dominant, Autosomal Recessive and X-Linked Classification Criteria (2023). Collection method: clinical testing. Allele origin: unknown.
Comment: This variant is considered benign. This variant is a silent/synonymous amino acid change and it is not expected to impact splicing.

Ambry Genetics
Classification: Likely benign for Hereditary cancer-predisposing syndrome. Last evaluated: 2023-11-03. Review status: criteria provided, single submitter. Criteria: Ambry Variant Classification Scheme 2023. Collection method: clinical testing. Allele origin: germline.

Color Diagnostics, LLC DBA Color Health
Classification: Likely benign for Hereditary cancer-predisposing syndrome. Last evaluated: 2017-08-21. Review status: criteria provided, single submitter. Criteria: ACMG Guidelines, 2015. Collection method: clinical testing. Allele origin: germline.

NM_004656.4(BAP1):c.1704G>A (p.Gly568=)

Gene: BAP1 (BRCA1 associated deubiquitinase 1; minus strand). Cytogenetic location: 3p21.1.
Variant type: single nucleotide variant.
Coding change: c.1704G>A on transcript NM_004656.4 (MANE Select); coding-DNA position 1704, G replaced by A.
Protein change: p.Gly568=; no amino-acid change (glycine 568 retained).
Molecular consequence: synonymous variant.
Genome position (GRCh38, 1-based): chr3:52,403,441, C>T on the plus strand (G>A on the coding strand, the complement: BAP1 is on the minus strand). VCF-style: chr3-52403441-C-T. GRCh37 (hg19) VCF-style: chr3-52437457-C-T.
Other names: c.1704G>A (NM_004656.2).
Identifiers: ClinVar variation 490805 (VCV000490805.5), dbSNP rs1553644812, ClinGen allele CA433885795.
Genomic context (GRCh38, chr3:52,403,441, plus strand): 5'-GCACCAAGTGGCCAGTGAGCCAGTCCAAGGCCCACCTGTCAGCGCCAGGGGACTCAGCAC[C>T]CCATCCTCAGCCAGGTGCAGCAGGCCTGTGCTGATGACAGGACCCAGATCACGGACAGCA-3'
Protein context (NP_004647.1, residues 558-578): STGLLHLAED[Gly568=]VLSPLALTEG